The following is an entry in ClinVar:

NM_001034853.2(RPGR):c.372del (p.Glu125fs)

Gene: RPGR (retinitis pigmentosa GTPase regulator; minus strand). Cytogenetic location: Xp11.4.
Variant type: Deletion.
Coding change: c.372del on transcript NM_001034853.2 (MANE Select); coding-DNA position 372, one base deleted (C; older notation c.372delC).
Protein change: p.Glu125fs; shifts the reading frame from glutamic acid 125.
Molecular consequence: frameshift variant. On other transcripts: non-coding transcript variant (6).
Genome position (GRCh38, 1-based): chrX:38,318,926, G deleted on the plus strand (C on the coding strand, the reverse complement: RPGR is on the minus strand); the first of 2 consecutive G bases (chrX:38,318,926-38,318,927); deleting either gives the same sequence. VCF-style (leftmost placement, unchanged base first): chrX-38318925-CG-C. GRCh37 (hg19) VCF-style: chrX-38178178-CG-C.
Other names: c.372del (NM_001034853.1); c.372del, p.Glu125fs (NM_000328.3, NM_001367245.1, NM_001367246.1 and 3 more transcripts); c.402del, p.Glu135fs (NM_001367248.1); c.369del, p.Glu124fs (NM_001367249.1); short protein forms E125fs, E135fs, E124fs.
Identifiers: ClinVar variation 98783 (VCV000098783.7), dbSNP rs62638642, ClinGen allele CA226415.

ClinVar aggregate classification (germline): Pathogenic. Review status: criteria provided, multiple submitters, no conflicts (2 of 4 stars). 4 submissions from 4 submitters: Pathogenic (3). 1 of the submissions does not count toward it. Last evaluated 2025-02-10.

Conditions:
RPGR-related disorder. Also called: RPGR-related condition.
Primary ciliary dyskinesia. Also called: Ciliary dyskinesia. Identifiers: Orphanet 244, MedGen C0008780, MONDO:0016575, HP:0012265.

Submissions (4):

Labcorp Genetics (formerly Invitae), Labcorp
Classification: Pathogenic for Primary ciliary dyskinesia. Last evaluated: 2025-02-10. Review status: criteria provided, single submitter. Criteria: Invitae Variant Classification Sherloc (09022015). Collection method: clinical testing. Allele origin: germline.
Comment: This sequence change creates a premature translational stop signal (p.Glu125Lysfs*8) in the RPGR gene. It is expected to result in an absent or disrupted protein product. Loss-of-function variants in RPGR are known to be pathogenic (PMID: 16055928, 16969763). This variant is not present in population databases (gnomAD no frequency). This premature translational stop signal has been observed in individual(s) with retinitis pigmentosa (PMID: 9399904, 21857984). ClinVar contains an entry for this variant (Variation ID: 98783). Algorithms developed to predict the effect of sequence changes on RNA splicing suggest that this variant may disrupt the consensus splice site. For these reasons, this variant has been classified as Pathogenic.

Blueprint Genetics
Classification: Pathogenic for RPGR-related disorders. Last evaluated: 2022-10-10. Review status: criteria provided, single submitter. Criteria: ACMG Guidelines, 2015. Collection method: clinical testing. Allele origin: germline. Affected: yes. Observed: 4 variant alleles.

GeneDx
Classification: Pathogenic. Last evaluated: 2018-07-02. Review status: criteria provided, single submitter. Criteria: GeneDx Variant Classification (06012015). Collection method: clinical testing. Allele origin: germline. Affected: yes.
Comment: The c.372delC variant in the RPGR gene has been reported previously in association with X-linked retinitis pigmentosa (Buraczynska et al., 1997). The c.372delC variant causes a frameshift starting with codon Glutamic Acid 125, changes this amino acid to a Lysine residue, and creates a premature Stop codon at position 8 of the new reading frame, denoted p.Glu125LysfsX8. This variant is predicted to cause loss of normal protein function either through protein truncation or nonsense-mediated mRNA decay. The c.372delC variant is not observed in large population cohorts (Lek et al., 2016). We interpret c.372delC as a pathogenic variant.

Retina International
No classification provided. Review status: no classification provided. Collection method: not provided. Allele origin: not provided. Not counted in ClinVar's aggregate classification.

Literature cited by the submitters: PubMed 16055928 (cited by Labcorp Genetics (formerly Invitae), Labcorp); PubMed 16969763 (cited by Labcorp Genetics (formerly Invitae), Labcorp); PubMed 9399904 (cited by Labcorp Genetics (formerly Invitae), Labcorp); PubMed 21857984 (cited by Labcorp Genetics (formerly Invitae), Labcorp).